The following is an entry in ClinVar:

NC_000023.11:g.(?_32216906)_(32442157_?)del

Gene: DMD (dystrophin; minus strand). Cytogenetic location: Xp21.1.
Variant type: Deletion.
Identifiers: ClinVar variation 832183 (VCV000832183.7).

ClinVar aggregate classification (germline): Pathogenic (1 of 4 stars; one submission).

Conditions:
Duchenne muscular dystrophy (DMD). Also called: Duchenne Muscular Dystrophy (DMD); MUSCULAR DYSTROPHY, PSEUDOHYPERTROPHIC PROGRESSIVE, DUCHENNE TYPE. Identifiers: Orphanet 98896, MedGen C0013264, MONDO:0010679, OMIM 310200.

Submission:

Labcorp Genetics (formerly Invitae), Labcorp
Classification: Pathogenic for Duchenne muscular dystrophy. Last evaluated: 2021-08-12. Review status: criteria provided, single submitter. Criteria: Invitae Variant Classification Sherloc (09022015). Collection method: clinical testing. Allele origin: germline.
Comment: This variant is a gross deletion of the genomic region encompassing exon(s) 28-44 of the DMD gene. This variant would be expected to be in-frame, preserving the integrity of the reading frame. A similar copy number variant has been observed in individuals with DMD-related dystrophinopathy (PMID: 11409318, 17561468, 19937601). For these reasons, this variant has been classified as Pathogenic.

Literature cited by the submitters: PubMed 11409318; PubMed 17561468; PubMed 19937601.